The following is an entry in ClinVar:

ClinVar aggregate classification (germline): Uncertain significance (1 of 4 stars; one submission).

Conditions:
Progressive myoclonic epilepsy type 3. Also called: EPILEPSY, PROGRESSIVE MYOCLONIC, 3, WITHOUT INTRACELLULAR INCLUSIONS; EPILEPSY, PROGRESSIVE MYOCLONIC, 3, WITH OR WITHOUT INTRACELLULAR INCLUSIONS; CEROID LIPOFUSCINOSIS, NEURONAL, 14; KCTD7-Related Progressive Myoclonic Epilepsy. Identifiers: Orphanet 263516, MedGen C2673257, MONDO:0012721, OMIM 611726.

Allele frequency attached by ClinVar (database versions not stated): TOPMed 0.00002; gnomAD exomes below 0.00001; gnomAD 0.00002.

Submission:

Labcorp Genetics (formerly Invitae), Labcorp
Classification: Uncertain significance for Progressive myoclonic epilepsy type 3. Last evaluated: 2022-02-23. Review status: criteria provided, single submitter. Criteria: Invitae Variant Classification Sherloc (09022015). Collection method: clinical testing. Allele origin: germline.
Comment: Algorithms developed to predict the effect of missense changes on protein structure and function are either unavailable or do not agree on the potential impact of this missense change (SIFT: "Deleterious"; PolyPhen-2: "Benign"; Align-GVGD: "Class C0"). In summary, the available evidence is currently insufficient to determine the role of this variant in disease. Therefore, it has been classified as a Variant of Uncertain Significance. This variant has not been reported in the literature in individuals affected with KCTD7-related conditions. This variant is present in population databases (no rsID available, gnomAD 0.007%). This sequence change replaces methionine, which is neutral and non-polar, with lysine, which is basic and polar, at codon 144 of the KCTD7 protein (p.Met144Lys).

NM_153033.5(KCTD7):c.431T>A (p.Met144Lys)

Gene: KCTD7 (potassium channel tetramerization domain containing 7; plus strand). Cytogenetic location: 7q11.21.
Variant type: single nucleotide variant.
Coding change: c.431T>A on transcript NM_153033.5 (MANE Select); coding-DNA position 431, T replaced by A.
Protein change: p.Met144Lys; replaces methionine 144 with lysine.
Molecular consequence: missense variant.
Genome position (GRCh38, 1-based): chr7:66,638,369, T>A. VCF-style: chr7-66638369-T-A. GRCh37 (hg19) VCF-style: chr7-66103356-T-A.
Other names: c.431T>A, p.Met144Lys (NM_001167961.2); short protein forms M144K.
Identifiers: ClinVar variation 1931742 (VCV001931742.5), dbSNP rs936496800, ClinGen allele CA160220202.
Genomic context (GRCh38, chr7:66,638,369, plus strand): 5'-CTGTGTACAAAGAGGCCCAGTACTATGCCATCGGGCCCCTCCTGGAGCAGCTGGAGAACA[T>A]GCAGCCACTGAAGGGCGAGAAGGTGCGCCAAGCGTTTCTGGGACTCATGCCCTATTACAA-3'
Protein context (NP_694578.1, residues 134-154): IGPLLEQLEN[Met144Lys]QPLKGEKVRQ